The following is an entry in ClinVar:

NM_001458.5(FLNC):c.3137C>T (p.Pro1046Leu)

Gene: FLNC (filamin C; plus strand). Cytogenetic location: 7q32.1.
Variant type: single nucleotide variant.
Coding change: c.3137C>T on transcript NM_001458.5 (MANE Select); coding-DNA position 3137, C replaced by T.
Protein change: p.Pro1046Leu; replaces proline 1046 with leucine.
Molecular consequence: missense variant.
Genome position (GRCh38, 1-based): chr7:128,844,211, C>T. VCF-style: chr7-128844211-C-T. GRCh37 (hg19) VCF-style: chr7-128484265-C-T.
Other names: c.3137C>T, p.Pro1046Leu (NM_001127487.2); short protein forms P1046L.
Identifiers: ClinVar variation 657244 (VCV000657244.41), dbSNP rs768820218, ClinGen allele CA4474962.

ClinVar aggregate classification (germline): Uncertain significance. Review status: criteria provided, multiple submitters, no conflicts (2 of 4 stars). 4 submissions from 4 submitters: Uncertain significance (4). Last evaluated 2025-11-18.

Conditions:
Hypertrophic cardiomyopathy 26. Also called: Cardiomyopathy, familial hypertrophic, 26. Identifiers: Orphanet 75249, MedGen C4310749, MONDO:0014883, OMIM 617047.
Myofibrillar myopathy 5. Also called: Filaminopathy (type); FILAMINOPATHY, AUTOSOMAL DOMINANT. Identifiers: Orphanet 171445, MedGen C1836050, MONDO:0012289, OMIM 609524.
Distal myopathy with posterior leg and anterior hand involvement. Also called: WILLIAMS DISTAL MYOPATHY. Identifiers: Orphanet 63273, MedGen C3279722, MONDO:0013550, OMIM 614065.
FLNC-related disorder. Also called: FLNC-related condition; FLNC-related disorders.
Cardiovascular phenotype. Identifiers: MedGen CN230736.

Allele frequency attached by ClinVar (database versions not stated): ExAC 0.00001; gnomAD exomes 0.00001; TOPMed 0.00001.
gnomAD v4.1: 15 of 1,612,184 alleles (0.00093%); highest among the groups gnomAD compares: Middle Eastern, 0.017%; no homozygotes.

Submissions (4):

PreventionGenetics, part of Exact Sciences
Classification: Uncertain significance for FLNC-related condition. Last evaluated: 2025-11-18. Review status: criteria provided, single submitter. Criteria: ACMG Guidelines, 2015. Collection method: clinical testing. Allele origin: germline.
Comment: The FLNC c.3137C>T variant is predicted to result in the amino acid substitution p.Pro1046Leu. To our knowledge, this variant has not been reported in the literature. This variant is reported in 0.0018% of alleles in individuals of European (Non-Finnish) descent in gnomAD. At this time, the clinical significance of this variant is uncertain due to the absence of conclusive functional and genetic evidence.

Labcorp Genetics (formerly Invitae), Labcorp
Classification: Uncertain significance for Distal myopathy with posterior leg and anterior hand involvement; Myofibrillar myopathy 5; Hypertrophic cardiomyopathy 26. Last evaluated: 2024-08-20. Review status: criteria provided, single submitter. Criteria: Invitae Variant Classification Sherloc (09022015). Collection method: clinical testing. Allele origin: germline.
Comment: This sequence change replaces proline, which is neutral and non-polar, with leucine, which is neutral and non-polar, at codon 1046 of the FLNC protein (p.Pro1046Leu). This variant is present in population databases (rs768820218, gnomAD 0.0009%). This variant has not been reported in the literature in individuals affected with FLNC-related conditions. ClinVar contains an entry for this variant (Variation ID: 657244). An algorithm developed to predict the effect of missense changes on protein structure and function outputs the following: PolyPhen-2: "Benign". The leucine amino acid residue is found in multiple mammalian species, which suggests that this missense change does not adversely affect protein function. In summary, the available evidence is currently insufficient to determine the role of this variant in disease. Therefore, it has been classified as a Variant of Uncertain Significance.

Ambry Genetics
Classification: Uncertain significance for Cardiovascular phenotype. Last evaluated: 2023-05-11. Review status: criteria provided, single submitter. Criteria: Ambry Variant Classification Scheme 2023. Collection method: clinical testing. Allele origin: germline.
Comment: The p.P1046L variant (also known as c.3137C>T), located in coding exon 20 of the FLNC gene, results from a C to T substitution at nucleotide position 3137. The proline at codon 1046 is replaced by leucine, an amino acid with similar properties. This amino acid position is conserved. In addition, the in silico prediction for this alteration is inconclusive. Since supporting evidence is limited at this time, the clinical significance of this alteration remains unclear.

CeGaT Center for Human Genetics Tuebingen
Classification: Uncertain significance. Last evaluated: 2022-09-01. Review status: criteria provided, single submitter. Criteria: CeGaT Center For Human Genetics Tuebingen Variant Classification Criteria Version 2. Collection method: clinical testing. Allele origin: germline. Affected: yes. Observed: 1 variant allele.
Comment: FLNC: PM2:Supporting, PS2:Supporting